The following is an entry in ClinVar:

ClinVar aggregate classification (germline): Uncertain significance. Review status: criteria provided, multiple submitters, no conflicts (2 of 4 stars). 2 submissions from 2 submitters: Uncertain significance (2). Last evaluated 2026-08-14.

Conditions:
Hereditary cancer-predisposing syndrome. Also called: Hereditary Cancer Syndrome; Tumor predisposition; Neoplastic Syndromes, Hereditary; Hereditary neoplastic syndrome. Identifiers: Orphanet 140162, MedGen C0027672, MeSH D009386, MONDO:0015356.
EGFR-related lung cancer (EGFR). Identifiers: MedGen CN130014.

Allele frequency attached by ClinVar (database versions not stated): gnomAD exomes below 0.00001; TOPMed below 0.00001.
gnomAD v4.1: 1 of 1,614,062 alleles (0.000062%); highest among the groups gnomAD compares: Non-Finnish European, 0.000085%; no homozygotes.

Submissions (2):

Ambry Genetics
Classification: Uncertain significance for Hereditary cancer-predisposing syndrome. Last evaluated: 2026-08-14. Review status: criteria provided, single submitter. Criteria: Ambry Variant Classification Scheme 2023. Collection method: clinical testing. Allele origin: germline.
Comment: The p.S752T variant (also known as c.2254T>A), located in coding exon 19 of the EGFR gene, results from a T to A substitution at nucleotide position 2254. The serine at codon 752 is replaced by threonine, an amino acid with similar properties. This amino acid position is highly conserved in available vertebrate species. In addition, the in silico prediction for this alteration is inconclusive. Based on the available evidence, the clinical significance of this variant remains unclear.

Labcorp Genetics (formerly Invitae), Labcorp
Classification: Uncertain significance for EGFR-related lung cancer. Last evaluated: 2024-04-07. Review status: criteria provided, single submitter. Criteria: Invitae Variant Classification Sherloc (09022015). Collection method: clinical testing. Allele origin: germline.
Comment: This sequence change replaces serine, which is neutral and polar, with threonine, which is neutral and polar, at codon 752 of the EGFR protein (p.Ser752Thr). This variant is present in population databases (no rsID available, gnomAD 0.0009%). This variant has not been reported in the literature in individuals affected with EGFR-related conditions. ClinVar contains an entry for this variant (Variation ID: 1493928). Advanced modeling of protein sequence and biophysical properties (such as structural, functional, and spatial information, amino acid conservation, physicochemical variation, residue mobility, and thermodynamic stability) performed at Invitae indicates that this missense variant is not expected to disrupt EGFR protein function with a negative predictive value of 80%. In summary, the available evidence is currently insufficient to determine the role of this variant in disease. Therefore, it has been classified as a Variant of Uncertain Significance.

NM_005228.5(EGFR):c.2254T>A (p.Ser752Thr)

Gene: EGFR (epidermal growth factor receptor; plus strand). Cytogenetic location: 7p11.2.
Variant type: single nucleotide variant.
Coding change: c.2254T>A on transcript NM_005228.5 (MANE Select); coding-DNA position 2254, T replaced by A.
Protein change: p.Ser752Thr; replaces serine 752 with threonine.
Molecular consequence: missense variant.
Genome position (GRCh38, 1-based): chr7:55,174,791, T>A. VCF-style: chr7-55174791-T-A. GRCh37 (hg19) VCF-style: chr7-55242484-T-A.
Other names: c.2119T>A, p.Ser707Thr (NM_001346897.2, NM_001346899.2); c.2254T>A, p.Ser752Thr (NM_001346898.2); c.2095T>A, p.Ser699Thr (NM_001346900.2); c.1453T>A, p.Ser485Thr (NM_001346941.2); c.2254T>A (NM_005228.3); short protein forms S485T, S752T, S707T, S699T.
Identifiers: ClinVar variation 1493928 (VCV001493928.9), dbSNP rs1373423544, ClinGen allele CA367584183.